The following is an entry in ClinVar:

NM_000038.6(APC):c.3165A>G (p.Ile1055Met)

Gene: APC (APC regulator of Wnt signaling pathway; plus strand). Cytogenetic location: 5q22.2.
Variant type: single nucleotide variant.
Coding change: c.3165A>G on transcript NM_000038.6 (MANE Select); coding-DNA position 3165, A replaced by G.
Protein change: p.Ile1055Met; replaces isoleucine 1055 with methionine.
Molecular consequence: missense variant.
Genome position (GRCh38, 1-based): chr5:112,838,759, A>G. VCF-style: chr5-112838759-A-G. GRCh37 (hg19) VCF-style: chr5-112174456-A-G.
Other names: c.3165A>G, p.Ile1055Met (NM_001127510.3, NM_001354895.2); c.3111A>G, p.Ile1037Met (NM_001127511.3); c.3219A>G, p.Ile1073Met (NM_001354896.2); c.3195A>G, p.Ile1065Met (NM_001354897.2); c.3090A>G, p.Ile1030Met (NM_001354898.2); c.3081A>G, p.Ile1027Met (NM_001354899.2); c.3042A>G, p.Ile1014Met (NM_001354900.2); c.2988A>G, p.Ile996Met (NM_001354901.2); and 5 more; short protein forms I1014M, I1027M, I1030M, I1037M, I1055M, I1065M, I1073M, I772M.
Identifiers: ClinVar variation 1319314 (VCV001319314.4), dbSNP rs61734287, ClinGen allele CA16028270.

ClinVar aggregate classification (germline): Uncertain significance. Review status: criteria provided, multiple submitters, no conflicts (2 of 4 stars). 2 submissions from 2 submitters: Uncertain significance (2). Last evaluated 2025-11-09.

Conditions:
Familial adenomatous polyposis 1 (FAP1). Also called: POLYPOSIS, ADENOMATOUS INTESTINAL; FAMILIAL ADENOMATOUS POLYPOSIS 1, ATTENUATED. Identifiers: MedGen C2713442, MONDO:0021056, OMIM 175100. Disease mechanism: loss of function.

Submissions (2):

Labcorp Genetics (formerly Invitae), Labcorp
Classification: Uncertain significance for Familial adenomatous polyposis 1. Last evaluated: 2025-11-09. Review status: criteria provided, single submitter. Criteria: Invitae Variant Classification Sherloc (09022015). Collection method: clinical testing. Allele origin: germline.
Comment: This sequence change replaces isoleucine, which is neutral and non-polar, with methionine, which is neutral and non-polar, at codon 1055 of the APC protein (p.Ile1055Met). This variant is not present in population databases (gnomAD no frequency). This missense change has been observed in individual(s) with an attenuated FAP phenotype (PMID: 19531215). ClinVar contains an entry for this variant (Variation ID: 1319314). Invitae Evidence Modeling of protein sequence and biophysical properties (such as structural, functional, and spatial information, amino acid conservation, physicochemical variation, residue mobility, and thermodynamic stability) indicates that this missense variant is not expected to disrupt APC protein function with a negative predictive value of 95%. In summary, the available evidence is currently insufficient to determine the role of this variant in disease. Therefore, it has been classified as a Variant of Uncertain Significance.

Institute for Clinical Genetics, University Hospital TU Dresden, University Hospital TU Dresden
Classification: Uncertain significance. Last evaluated: 2021-11-03. Review status: criteria provided, single submitter. Criteria: ACMG Guidelines, 2015. Collection method: clinical testing. Allele origin: germline.

Literature cited by the submitters: PubMed 19531215 (cited by Labcorp Genetics (formerly Invitae), Labcorp).